The following is an entry in ClinVar:

NM_025137.4(SPG11):c.4237delinsTA (p.Val1413fs)

Genes: SPG11 (SPG11 vesicle trafficking associated, spatacsin; minus strand), LOC130056973 (ATAC-STARR-seq lymphoblastoid active region 9341; plus strand). Cytogenetic location: 15q21.1.
Variant type: Indel.
Coding change: c.4237delinsTA on transcript NM_025137.4 (MANE Select); coding-DNA position 4237, G replaced by TA.
Protein change: p.Val1413fs; shifts the reading frame from valine 1413.
Molecular consequence: frameshift variant.
Genome position (GRCh38, 1-based): chr15:44,596,280, C replaced by TA on the plus strand (G replaced by TA on the coding strand, the reverse complement: SPG11 is on the minus strand). VCF-style: chr15-44596280-C-TA. GRCh37 (hg19) VCF-style: chr15-44888478-C-TA.
Other names: c.4237delinsTA, p.Val1413fs (NM_001160227.2); short protein forms V1413fs.
Identifiers: ClinVar variation 967879 (VCV000967879.6), dbSNP rs2083036101, ClinGen allele CA1139663876.

ClinVar aggregate classification (germline): Pathogenic (1 of 4 stars; one submission).

Conditions:
Hereditary spastic paraplegia 11. Also called: Nakamura Osame syndrome; Autosomal recessive hereditary spastic paraplegia, mental impairment, and thin corpus callosum; Spastic Paraplegia 11; Spastic paraplegia, mental retardation and thin corpus callosum; SPASTIC PARAPLEGIA, AUTOSOMAL RECESSIVE, COMPLICATED, WITH THIN CORPUS CALLOSUM; SPASTIC PARAPLEGIA, AUTOSOMAL RECESSIVE, WITH MENTAL IMPAIRMENT AND THIN CORPUS CALLOSUM. Identifiers: Orphanet 2822, MedGen C1858479, MONDO:0011445, OMIM 604360.

Submission:

Labcorp Genetics (formerly Invitae), Labcorp
Classification: Pathogenic for Hereditary spastic paraplegia 11. Last evaluated: 2019-02-12. Review status: criteria provided, single submitter. Criteria: Invitae Variant Classification Sherloc (09022015). Collection method: clinical testing. Allele origin: germline.
Comment: For these reasons, this variant has been classified as Pathogenic. Loss-of-function variants in SPG11 are known to be pathogenic (PMID: 19105190, 20110243, 22154821, 26556829). Algorithms developed to predict the effect of sequence changes on RNA splicing suggest that this variant may create or strengthen a splice site, but this prediction has not been confirmed by published transcriptional studies. This variant has been observed in an individual affected with hereditary spastic paraplegia (PMID: 27217339). This variant is not present in population databases (ExAC no frequency). This sequence change creates a premature translational stop signal (p.Val1413Tyrfs*14) in the SPG11 gene. It is expected to result in an absent or disrupted protein product.

Literature cited by the submitters: PubMed 19105190; PubMed 20110243; PubMed 22154821; PubMed 26556829; PubMed 27217339.